The following is an entry in ClinVar:

ClinVar aggregate classification (germline): Uncertain significance (1 of 4 stars; one submission).

Allele frequency attached by ClinVar (database versions not stated): ExAC 0.00001; gnomAD exomes 0.00001.
gnomAD v4.1: 6 of 1,163,554 alleles (0.00052%); highest among the groups gnomAD compares: Non-Finnish European, 0.00059%; no homozygotes.

Submission:

CeGaT Center for Human Genetics Tuebingen
Classification: Uncertain significance. Last evaluated: 2024-07-01. Review status: criteria provided, single submitter. Criteria: CeGaT Center For Human Genetics Tuebingen Variant Classification Criteria Version 2. Collection method: clinical testing. Allele origin: germline. Affected: yes. Observed: 2 variant alleles.
Comment: RPS6KA3: PM2, BP4

NM_004586.3(RPS6KA3):c.999+8T>C

Gene: RPS6KA3 (ribosomal protein S6 kinase A3; minus strand). Cytogenetic location: Xp22.12.
Variant type: single nucleotide variant.
Coding change: c.999+8T>C on transcript NM_004586.3 (MANE Select); 8 bases into the intron after coding-DNA position 999, T replaced by C.
Molecular consequence: intron variant.
Genome position (GRCh38, 1-based): chrX:20,176,426, A>G on the plus strand (T>C on the coding strand, the complement: RPS6KA3 is on the minus strand). VCF-style: chrX-20176426-A-G. GRCh37 (hg19) VCF-style: chrX-20194544-A-G.
Identifiers: ClinVar variation 810526 (VCV000810526.42), dbSNP rs765105456, ClinGen allele CA10366187.